The following is an entry in ClinVar:

ClinVar aggregate classification (germline): Benign/Likely benign. Review status: criteria provided, multiple submitters, no conflicts (2 of 4 stars). 3 submissions from 3 submitters: Benign (1); Likely benign (2). Last evaluated 2025-01-02.

Conditions:
Hereditary nonpolyposis colorectal neoplasms. Identifiers: MedGen C0009405, MeSH D003123.
Hereditary cancer-predisposing syndrome. Also called: Neoplastic Syndromes, Hereditary; Tumor predisposition; Hereditary Cancer Syndrome; Hereditary neoplastic syndrome. Identifiers: Orphanet 140162, MedGen C0027672, MeSH D009386, MONDO:0015356.
Lynch syndrome 5 (LYNCH5). Also called: Colorectal cancer, hereditary nonpolyposis, type 5; Hereditary non-polyposis colorectal cancer, type 5. Identifiers: Orphanet 144, MedGen C1833477, MONDO:0013710, OMIM 614350. Disease mechanism: loss of function.

Submissions (3):

Myriad Genetics, Inc.
Classification: Benign for Lynch syndrome 5. Last evaluated: 2025-01-02. Review status: criteria provided, single submitter. Criteria: Myriad Autosomal Dominant, Autosomal Recessive and X-Linked Classification Criteria (2023). Collection method: clinical testing. Allele origin: unknown.
Comment: This variant is considered benign. This variant is a silent/synonymous amino acid change and it is not expected to impact splicing.

Labcorp Genetics (formerly Invitae), Labcorp
Classification: Likely benign for Hereditary nonpolyposis colorectal neoplasms. Last evaluated: 2024-02-24. Review status: criteria provided, single submitter. Criteria: Invitae Variant Classification Sherloc (09022015). Collection method: clinical testing. Allele origin: germline.

Ambry Genetics
Classification: Likely benign for Hereditary cancer-predisposing syndrome. Last evaluated: 2020-04-29. Review status: criteria provided, single submitter. Criteria: Ambry Variant Classification Scheme 2023. Collection method: clinical testing. Allele origin: germline.

NM_000179.3(MSH6):c.2733A>G (p.Arg911=)

Gene: MSH6 (mutS homolog 6; plus strand). Cytogenetic location: 2p16.3.
Variant type: single nucleotide variant.
Coding change: c.2733A>G on transcript NM_000179.3 (MANE Select); coding-DNA position 2733, A replaced by G.
Protein change: p.Arg911=; no amino-acid change (arginine 911 retained).
Molecular consequence: synonymous variant.
Genome position (GRCh38, 1-based): chr2:47,800,716, A>G. VCF-style: chr2-47800716-A-G. GRCh37 (hg19) VCF-style: chr2-48027855-A-G.
Other names: c.2343A>G, p.Arg781= (NM_001281492.2); c.1827A>G, p.Arg609= (NM_001281493.2, NM_001281494.2).
Identifiers: ClinVar variation 525756 (VCV000525756.10), dbSNP rs1553414083, ClinGen allele CA426121592.